The following is an entry in ClinVar:

ClinVar aggregate classification (germline): Likely benign. Review status: criteria provided, multiple submitters, no conflicts (2 of 4 stars). 2 submissions from 2 submitters: Likely benign (2). Last evaluated 2026-04-01.

Allele frequency attached by ClinVar (database versions not stated): gnomAD 0.00003; TOPMed 0.00003; gnomAD exomes 0.00006; ExAC 0.00008.
gnomAD v4.1: 85 of 1,613,424 alleles (0.0053%); highest among the groups gnomAD compares: East Asian, 0.031%; no homozygotes.

Submissions (2):

CeGaT Center for Human Genetics Tuebingen
Classification: Likely benign. Last evaluated: 2026-04-01. Review status: criteria provided, single submitter. Criteria: CeGaT Center For Human Genetics Tuebingen Variant Classification Criteria Version 2. Collection method: clinical testing. Allele origin: germline. Affected: yes. Observed: 1 variant allele.
Comment: APC2: BP4, BP7

Labcorp Genetics (formerly Invitae), Labcorp
Classification: Likely benign. Last evaluated: 2024-07-24. Review status: criteria provided, single submitter. Criteria: Invitae Variant Classification Sherloc (09022015). Collection method: clinical testing. Allele origin: germline.

NM_005883.3(APC2):c.1398G>A (p.Ala466=)

Gene: APC2 (APC regulator of Wnt signaling pathway 2; plus strand). Cytogenetic location: 19p13.3.
Variant type: single nucleotide variant.
Coding change: c.1398G>A on transcript NM_005883.3 (MANE Select); coding-DNA position 1398, G replaced by A.
Protein change: p.Ala466=; no amino-acid change (alanine 466 retained).
Molecular consequence: synonymous variant.
Genome position (GRCh38, 1-based): chr19:1,460,275, G>A. VCF-style: chr19-1460275-G-A. GRCh37 (hg19) VCF-style: chr19-1460274-G-A.
Other names: c.1395G>A, p.Ala465= (NM_001351273.1).
Identifiers: ClinVar variation 2981772 (VCV002981772.5), dbSNP rs763564005, ClinGen allele CA9045060.